The following is an entry in ClinVar:

ClinVar aggregate classification (germline): Benign. Review status: criteria provided, multiple submitters, no conflicts (2 of 4 stars). 3 submissions from 3 submitters: Benign (3). Last evaluated 2026-01-26.

Conditions:
Cone-rod synaptic disorder, congenital nonprogressive. Also called: NIGHT BLINDNESS, CONGENITAL STATIONARY, INCOMPLETE, AUTOSOMAL RECESSIVE. Identifiers: Orphanet 215, MedGen C4041558, MONDO:0012490, OMIM 610427.

Allele frequency attached by ClinVar (database versions not stated): gnomAD exomes 0.00098 and 0.00221; ExAC 0.00258; gnomAD 0.00877 and 0.00924; ESP Exome Variant Server 0.00885; TOPMed 0.00991; 1000 Genomes Project 0.01198; 1000 Genomes Project 30x 0.01234.

Submissions (3):

Labcorp Genetics (formerly Invitae), Labcorp
Classification: Benign. Last evaluated: 2026-01-26. Review status: criteria provided, single submitter. Criteria: Invitae Variant Classification Sherloc (09022015). Collection method: clinical testing. Allele origin: germline.

Illumina Laboratory Services, Illumina
Classification: Benign for Cone-rod synaptic disorder, congenital nonprogressive. Last evaluated: 2018-01-13. Review status: criteria provided, single submitter. Criteria: ICSL Variant Classification Criteria 13 December 2019. Collection method: clinical testing. Allele origin: germline.
Comment: This variant was observed in the ICSL laboratory as part of a predisposition screen in an ostensibly healthy population. It had not been previously curated by ICSL or reported in the Human Gene Mutation Database (HGMD: prior to June 1st, 2018), and was therefore a candidate for classification through an automated scoring system. Utilizing variant allele frequency, disease prevalence and penetrance estimates, and inheritance mode, an automated score was calculated to assess if this variant is too frequent to cause the disease. Based on the score and internal cut-off values, a variant classified as benign is not then subjected to further curation. The score for this variant resulted in a classification of benign for this disease.

Breakthrough Genomics
Classification: Benign. Review status: criteria provided, single submitter. Criteria: ACMG Guidelines, 2015. Collection method: not provided. Allele origin: germline. Inheritance: Autosomal recessive inheritance. Affected: yes.

NM_145200.5(CABP4):c.747C>T (p.Asp249=)

Gene: CABP4 (calcium binding protein 4; plus strand). Cytogenetic location: 11q13.2.
Variant type: single nucleotide variant.
Coding change: c.747C>T on transcript NM_145200.5 (MANE Select); coding-DNA position 747, C replaced by T.
Protein change: p.Asp249=; no amino-acid change (aspartic acid 249 retained).
Molecular consequence: synonymous variant. On other transcripts: non-coding transcript variant (1).
Genome position (GRCh38, 1-based): chr11:67,458,466, C>T. VCF-style: chr11-67458466-C-T. GRCh37 (hg19) VCF-style: chr11-67225937-C-T.
Other names: c.432C>T, p.Asp144= (NM_001300895.3, NM_001300896.3, NM_001379183.1).
Identifiers: ClinVar variation 707011 (VCV000707011.15), dbSNP rs34573687, ClinGen allele CA6140339.
Genomic context (GRCh38, chr11:67,458,466, plus strand): 5'-GGAGCTGCGGGAGGCGGTACCGGCTCTGCTCGGGGAGCCGCTGGCGGGTCCTGAGCTGGA[C>T]GAGATGCTCCGAGAAGTGGACCTCAATGGGGATGGCACCGTAGACTTTGACGGTGAGTCT-3'
Protein context (NP_660201.1, residues 239-259): LGEPLAGPEL[Asp249=]EMLREVDLNG